The following is an entry in ClinVar:

ClinVar aggregate classification (germline): Uncertain significance. Review status: criteria provided, multiple submitters, no conflicts (2 of 4 stars). 2 submissions from 2 submitters: Uncertain significance (2). Last evaluated 2025-08-10.

Conditions:
Inborn genetic diseases. Identifiers: MedGen C0950123, MeSH D030342.

Allele frequency attached by ClinVar (database versions not stated): gnomAD exomes 0.00002; gnomAD 0.00004; TOPMed 0.00004; ESP Exome Variant Server 0.00008.

Submissions (2):

Ambry Genetics
Classification: Uncertain significance for Inborn genetic diseases. Last evaluated: 2025-08-10. Review status: criteria provided, single submitter. Criteria: Ambry Variant Classification Scheme 2023. Collection method: clinical testing. Allele origin: germline.

Labcorp Genetics (formerly Invitae), Labcorp
Classification: Uncertain significance. Last evaluated: 2022-05-27. Review status: criteria provided, single submitter. Criteria: Invitae Variant Classification Sherloc (09022015). Collection method: clinical testing. Allele origin: germline.
Comment: This sequence change replaces methionine, which is neutral and non-polar, with threonine, which is neutral and polar, at codon 112 of the SMARCD2 protein (p.Met112Thr). This variant is present in population databases (rs371673950, gnomAD 0.008%). This variant has not been reported in the literature in individuals affected with SMARCD2-related conditions. Algorithms developed to predict the effect of missense changes on protein structure and function (SIFT, PolyPhen-2, Align-GVGD) all suggest that this variant is likely to be tolerated. In summary, the available evidence is currently insufficient to determine the role of this variant in disease. Therefore, it has been classified as a Variant of Uncertain Significance.

NM_001098426.2(SMARCD2):c.335T>C (p.Met112Thr)

Gene: SMARCD2 (SWI/SNF related BAF chromatin remodeling complex subunit D2; minus strand). Cytogenetic location: 17q23.3.
Variant type: single nucleotide variant.
Coding change: c.335T>C on transcript NM_001098426.2 (MANE Select); coding-DNA position 335, T replaced by C.
Protein change: p.Met112Thr; replaces methionine 112 with threonine.
Molecular consequence: missense variant.
Genome position (GRCh38, 1-based): chr17:63,837,507, A>G on the plus strand (T>C on the coding strand, the complement: SMARCD2 is on the minus strand). VCF-style: chr17-63837507-A-G. GRCh37 (hg19) VCF-style: chr17-61914867-A-G.
Other names: c.335T>C (NM_001098426.1); c.110T>C, p.Met37Thr (NM_001330439.1); c.191T>C, p.Met64Thr (NM_001330440.2); short protein forms M112T, M64T, M37T.
Identifiers: ClinVar variation 2170424 (VCV002170424.4), dbSNP rs371673950, ClinGen allele CA292954750.
Genomic context (GRCh38, chr17:63,837,507, plus strand): 5'-CGCTGGGCAGGCATGGGAGGCTGCGCCTGGGGCACAAGCAGGCGTTTTCGGAATGGATCC[A>G]TCATGGTGGGTGGCATGCCAGGTCGAAGCGGAGCTGCTGCACCAAATGGGGAGCCAGCAG-3'
Protein context (NP_001091896.1, residues 102-122): PLRPGMPPTM[Met112Thr]DPFRKRLLVP